The following is an entry in ClinVar:

ClinVar aggregate classification (germline): Uncertain significance. Review status: criteria provided, multiple submitters, no conflicts (2 of 4 stars). 2 submissions from 2 submitters: Uncertain significance (2). Last evaluated 2024-11-08.

Submissions (2):

Blueprint Genetics
Classification: Uncertain significance. Last evaluated: 2024-11-08. Review status: criteria provided, single submitter. Criteria: ACMG Guidelines, 2015. Collection method: clinical testing. Allele origin: germline.

Labcorp Genetics (formerly Invitae), Labcorp
Classification: Uncertain significance. Last evaluated: 2022-10-25. Review status: criteria provided, single submitter. Criteria: Invitae Variant Classification Sherloc (09022015). Collection method: clinical testing. Allele origin: germline.
Comment: This variant occurs in a non-coding region of the SLC45A2 gene. It does not change the encoded amino acid sequence of the SLC45A2 protein. This variant is present in population databases (rs753429770, gnomAD 0.4%). This variant has not been reported in the literature in individuals affected with SLC45A2-related conditions. Experimental studies and prediction algorithms are not available or were not evaluated, and the functional significance of this variant is currently unknown. In summary, the available evidence is currently insufficient to determine the role of this variant in disease. Therefore, it has been classified as a Variant of Uncertain Significance.

NC_000005.10:g.33985074TTA[1]

Gene: SLC45A2 (solute carrier family 45 member 2; minus strand). Cytogenetic location: 5p13.2.
Variant type: Microsatellite.
Genome position: GRCh38 VCF-style: chr5-33985072-CATT-C. GRCh37 (hg19) VCF-style: chr5-33985177-CATT-C.
Identifiers: ClinVar variation 1057809 (VCV001057809.5), dbSNP rs369319911, ClinGen allele CA116904436.